The following is an entry in ClinVar:

ClinVar aggregate classification (germline): Pathogenic/Likely pathogenic. Review status: criteria provided, multiple submitters, no conflicts (2 of 4 stars). 2 submissions from 2 submitters: Pathogenic (1); Likely pathogenic (1). Last evaluated 2024-02-24.

Conditions:
Histiocytic medullary reticulosis. Also called: SEVERE COMBINED IMMUNODEFICIENCY WITH HYPEREOSINOPHILIA; Omenn syndrome. Identifiers: Orphanet 39041, MedGen C2700553, MONDO:0011338, OMIM 603554.
Severe combined immunodeficiency due to DCLRE1C deficiency (RS-SCID). Also called: SCID, AUTOSOMAL RECESSIVE, T CELL-NEGATIVE, B CELL-NEGATIVE, NK CELL-POSITIVE, WITH SENSITIVITY TO IONIZING RADIATION. Identifiers: Orphanet 275, MedGen C1865371, MONDO:0011225, OMIM 602450.

Submissions (2):

Baylor Genetics
Classification: Likely pathogenic for Histiocytic medullary reticulosis. Last evaluated: 2024-02-24. Review status: criteria provided, single submitter. Criteria: ACMG Guidelines, 2015. Collection method: clinical testing. Allele origin: unknown.

Labcorp Genetics (formerly Invitae), Labcorp
Classification: Pathogenic for Athabaskan severe combined immunodeficiency. Last evaluated: 2023-02-04. Review status: criteria provided, single submitter. Criteria: Invitae Variant Classification Sherloc (09022015). Collection method: clinical testing. Allele origin: germline.
Comment: This variant is not present in population databases (gnomAD no frequency). This sequence change creates a premature translational stop signal (p.Ser422*) in the DCLRE1C gene. While this is not anticipated to result in nonsense mediated decay, it is expected to disrupt the last 271 amino acid(s) of the DCLRE1C protein. This variant has not been reported in the literature in individuals affected with DCLRE1C-related conditions. ClinVar contains an entry for this variant (Variation ID: 958957). This variant disrupts a region of the DCLRE1C protein in which other variant(s) (p.Cys436*) have been determined to be pathogenic (PMID: 20674517, 22527898, 25917813, 29167666). This suggests that this is a clinically significant region of the protein, and that variants that disrupt it are likely to be disease-causing. For these reasons, this variant has been classified as Pathogenic.

Literature cited by the submitters: PubMed 20674517 (cited by Labcorp Genetics (formerly Invitae), Labcorp); PubMed 22527898 (cited by Labcorp Genetics (formerly Invitae), Labcorp); PubMed 25917813 (cited by Labcorp Genetics (formerly Invitae), Labcorp); PubMed 29167666 (cited by Labcorp Genetics (formerly Invitae), Labcorp).

NM_001033855.3(DCLRE1C):c.1265C>A (p.Ser422Ter)

Gene: DCLRE1C (DNA cross-link repair 1C; minus strand). Cytogenetic location: 10p13.
Variant type: single nucleotide variant.
Coding change: c.1265C>A on transcript NM_001033855.3 (MANE Select); coding-DNA position 1265, C replaced by A.
Protein change: p.Ser422Ter; replaces serine 422 with a stop codon.
Molecular consequence: nonsense. On other transcripts: non-coding transcript variant (4).
Genome position (GRCh38, 1-based): chr10:14,909,222, G>T on the plus strand (C>A on the coding strand, the complement: DCLRE1C is on the minus strand). VCF-style: chr10-14909222-G-T. GRCh37 (hg19) VCF-style: chr10-14951221-G-T.
Other names: c.905C>A, p.Ser302Ter (NM_001033857.3, NM_001033858.3, NM_001289077.2 and 2 more transcripts); c.920C>A, p.Ser307Ter (NM_001289076.2, NM_001289078.2, NM_001350966.2 and 1 more transcripts); c.1265C>A, p.Ser422Ter (NM_001350965.2); short protein forms S307*, S302*, S422*.
Identifiers: ClinVar variation 958957 (VCV000958957.11), dbSNP rs1354336544, ClinGen allele CA376076429.